The following is an entry in ClinVar:

NM_000155.4(GALT):c.502_504del (p.Val168del)

Gene: GALT (galactose-1-phosphate uridylyltransferase; plus strand). Cytogenetic location: 9p13.3.
Variant type: Deletion.
Coding change: c.502_504del on transcript NM_000155.4 (MANE Select); coding-DNA positions 502 to 504, 3 bases deleted (GTG; older notation c.502_504delGTG).
Protein change: p.Val168del; deletes valine 168.
Molecular consequence: inframe deletion.
Genome position (GRCh38, 1-based): chr9:34,647,956-34,647,958, GTG deleted; deleting any 3 consecutive bases within chr9:34,647,955-34,647,958 gives the same sequence; the c. name uses the placement nearest the transcript's 3' end. VCF-style (leftmost placement, unchanged base first): chr9-34647954-GGGT-G. GRCh37 (hg19) VCF-style: chr9-34647951-GGGT-G.
Other names: c.502_504delGTG (NM_000155.3); c.175_177del, p.Val59del (NM_001258332.2); short protein forms V168del, V59del.
Identifiers: ClinVar variation 964813 (VCV000964813.8), dbSNP rs1219976432, ClinGen allele CA464596007.

ClinVar aggregate classification (germline): Uncertain significance. Review status: criteria provided, multiple submitters, no conflicts (2 of 4 stars). 3 submissions from 3 submitters: Uncertain significance (2). 1 of the submissions does not count toward it. Last evaluated 2021-08-28.

Conditions:
Deficiency of UDPglucose-hexose-1-phosphate uridylyltransferase. Also called: GALACTOSE-1-PHOSPHATE URIDYLYLTRANSFERASE DEFICIENCY; Transferase Deficiency Galactosemia; GALT deficiency; Galactosemia, classic; GALACTOSEMIA I. Identifiers: Orphanet 352, Orphanet 79239, MedGen C0268151, MONDO:0009258, OMIM 230400.
Galactosemia. Also called: Galactose intolerance. Identifiers: Orphanet 352, MedGen C0016952, MONDO:0018116, HP:0004919. Disease mechanism: loss of function.

Submissions (3):

Labcorp Genetics (formerly Invitae), Labcorp
Classification: Uncertain significance for Deficiency of UDPglucose-hexose-1-phosphate uridylyltransferase. Last evaluated: 2021-08-28. Review status: criteria provided, single submitter. Criteria: Invitae Variant Classification Sherloc (09022015). Collection method: clinical testing. Allele origin: germline.
Comment: This variant, c.502_504del, results in the deletion of 1 amino acid(s) of the GALT protein (p.Val168del), but otherwise preserves the integrity of the reading frame. This variant is not present in population databases (ExAC no frequency). This variant has been observed in individual(s) with a positive newborn screening result for GALT-related disease (Invitae). In summary, the available evidence is currently insufficient to determine the role of this variant in disease. Therefore, it has been classified as a Variant of Uncertain Significance.

Women's Health and Genetics/Laboratory Corporation of America, LabCorp
Classification: Uncertain significance. Last evaluated: 2021-07-13. Review status: criteria provided, single submitter. Criteria: LabCorp Variant Classification Summary - May 2015. Collection method: clinical testing. Allele origin: germline.
Comment: Variant summary: GALT c.502_504delGTG (p.Val168del) results in an in-frame deletion that is predicted to remove one amino acid from the encoded protein. The variant was absent in 31402 control chromosomes (gnomAD). The available data on variant occurrences in the general population are insufficient to allow any conclusion about variant significance. To our knowledge, no occurrence of c.502_504delGTG in individuals affected with Galactosemia and no experimental evidence demonstrating its impact on protein function have been reported. One ClinVar submitter (evaluation after 2014) cites the variant as uncertain significance. Based on the evidence outlined above, the variant was classified as uncertain significance.

Natera, Inc.
Classification: Uncertain significance for Galactosemia. Last evaluated: 2020-01-08. Review status: no assertion criteria provided. Collection method: clinical testing. Allele origin: germline. Not counted in ClinVar's aggregate classification.